The following is an entry in ClinVar:

NM_000503.6(EYA1):c.*429T>C

Gene: EYA1 (EYA transcriptional coactivator and phosphatase 1; minus strand). Cytogenetic location: 8q13.3.
Variant type: single nucleotide variant.
Coding change: c.*429T>C on transcript NM_000503.6 (MANE Select); 429 bases downstream of the stop codon, T replaced by C.
Molecular consequence: 3 prime UTR variant.
Genome position (GRCh38, 1-based): chr8:71,198,911, A>G on the plus strand (T>C on the coding strand, the complement: EYA1 is on the minus strand). VCF-style: chr8-71198911-A-G. GRCh37 (hg19) VCF-style: chr8-72111146-A-G.
Other names: c.*429T>C (NM_001288574.2, NM_001288575.2, NM_001370333.1 and 5 more transcripts).
Identifiers: ClinVar variation 909439 (VCV000909439.31), dbSNP rs192602787, ClinGen allele CA179471826.
Genomic context (GRCh38, chr8:71,198,911, plus strand): 5'-TCTGTTCATAAATAAGTAGAGATGTACAGATTACCCTGGGTATGAGACACCAAAAAGTAA[A>G]CCTTCTTTACAAGAAAATTCCTCCACTGGTATTCAGGAAACACATTTCAGTCTCTGTTGT-3'

ClinVar aggregate classification (germline): Conflicting classifications of pathogenicity. Review status: criteria provided, conflicting classifications (1 of 4 stars). 3 submissions from 2 submitters: Uncertain significance (2); Likely benign (1). Last evaluated 2023-06-01.

Conditions:
Otofaciocervical syndrome 1 (OTFCS). Identifiers: MedGen C3714941, MONDO:0024532, OMIM 166780.
Branchiootic syndrome 1 (BOS1). Also called: BO SYNDROME 1; BRANCHIOOTIC DYSPLASIA. Identifiers: MedGen C1865143, MONDO:0011258, OMIM 602588.

Allele frequency attached by ClinVar (database versions not stated): 1000 Genomes Project 30x 0.00031; TOPMed 0.00152; gnomAD 0.00159 and 0.00165; gnomAD exomes 0.00172.
gnomAD v4.1: 387 of 235,234 alleles (0.16%); highest among the groups gnomAD compares: Middle Eastern, 0.64%; 1 homozygote.

Submissions (3):

CeGaT Center for Human Genetics Tuebingen
Classification: Likely benign. Last evaluated: 2023-06-01. Review status: criteria provided, single submitter. Criteria: CeGaT Center For Human Genetics Tuebingen Variant Classification Criteria Version 2. Collection method: clinical testing. Allele origin: germline. Affected: yes. Observed: 3 variant alleles.
Comment: EYA1: BS1

Illumina Laboratory Services, Illumina
Classification: Uncertain significance for Otofaciocervical syndrome 1. Last evaluated: 2018-01-13. Review status: criteria provided, single submitter. Criteria: ICSL Variant Classification Criteria 13 December 2019. Collection method: clinical testing. Allele origin: germline.

Illumina Laboratory Services, Illumina
Classification: Uncertain significance for Branchiootic syndrome. Last evaluated: 2018-01-13. Review status: criteria provided, single submitter. Criteria: ICSL Variant Classification Criteria 13 December 2019. Collection method: clinical testing. Allele origin: germline.